The following is an entry in ClinVar:

NM_014889.4(PITRM1):c.1615G>C (p.Glu539Gln)

Gene: PITRM1 (pitrilysin metallopeptidase 1; minus strand). Cytogenetic location: 10p15.2.
Variant type: single nucleotide variant.
Coding change: c.1615G>C on transcript NM_014889.4 (MANE Select); coding-DNA position 1615, G replaced by C.
Protein change: p.Glu539Gln; replaces glutamic acid 539 with glutamine.
Molecular consequence: missense variant. On other transcripts: non-coding transcript variant (4).
Genome position (GRCh38, 1-based): chr10:3,155,597, C>G on the plus strand (G>C on the coding strand, the complement: PITRM1 is on the minus strand). VCF-style: chr10-3155597-C-G. GRCh37 (hg19) VCF-style: chr10-3197789-C-G.
Other names: c.1615G>C, p.Glu539Gln (NM_001242307.2, NM_001347725.2); c.1519G>C, p.Glu507Gln (NM_001242309.1); c.1000G>C, p.Glu334Gln (NM_001347726.2, NM_001347727.2); c.310G>C, p.Glu104Gln (NM_001347728.2); c.1591G>C, p.Glu531Gln (NM_001347729.1, NM_001347730.1); short protein forms E104Q, E334Q, E507Q, E539Q, E531Q.
Identifiers: ClinVar variation 1363859 (VCV001363859.8), dbSNP rs373717428, ClinGen allele CA5387775.
Genomic context (GRCh38, chr10:3,155,597, plus strand): 5'-CACTAGGCCCGAGTGCAGGTTAGGGACTCGCCAGCTCGGAAGGAAGCCTCTGACCTTTCT[C>G]GTAGATCTGCTGCCTGTCTCCGGGGGACAGAGCCTCGACCTTCTGCTTGAGCTTCGTGGC-3'
Protein context (NP_055704.2, residues 529-549): LSPGDRQQIY[Glu539Gln]KGLELRSQQS

ClinVar aggregate classification (germline): Uncertain significance (1 of 4 stars; one submission).

Allele frequency attached by ClinVar (database versions not stated): ESP Exome Variant Server 0.00008; 1000 Genomes Project 30x 0.00016; 1000 Genomes Project 0.00020.
gnomAD v4.1: 12 of 1,613,886 alleles (0.00074%); highest among the groups gnomAD compares: African/African-American, 0.0093%; no homozygotes.

Submission:

Labcorp Genetics (formerly Invitae), Labcorp
Classification: Uncertain significance. Last evaluated: 2021-05-29. Review status: criteria provided, single submitter. Criteria: Invitae Variant Classification Sherloc (09022015). Collection method: clinical testing. Allele origin: germline.
Comment: In summary, the available evidence is currently insufficient to determine the role of this variant in disease. Therefore, it has been classified as a Variant of Uncertain Significance. Algorithms developed to predict the effect of missense changes on protein structure and function output the following: SIFT: "Tolerated"; PolyPhen-2: "Benign"; Align-GVGD: "Class C0". The glutamine amino acid residue is found in multiple mammalian species, suggesting that this missense change does not adversely affect protein function. These predictions have not been confirmed by published functional studies and their clinical significance is uncertain. This variant has not been reported in the literature in individuals with PITRM1-related conditions. This variant is present in population databases (rs373717428, ExAC 0.02%). This sequence change replaces glutamic acid with glutamine at codon 507 of the PITRM1 protein (p.Glu507Gln). The glutamic acid residue is moderately conserved and there is a small physicochemical difference between glutamic acid and glutamine.